The following is an entry in ClinVar:

NM_000263.4(NAGLU):c.1028C>T (p.Thr343Ile)

Gene: NAGLU (N-acetyl-alpha-glucosaminidase; plus strand). Cytogenetic location: 17q21.2.
Variant type: single nucleotide variant.
Coding change: c.1028C>T on transcript NM_000263.4 (MANE Select); coding-DNA position 1028, C replaced by T.
Protein change: p.Thr343Ile; replaces threonine 343 with isoleucine.
Molecular consequence: missense variant.
Genome position (GRCh38, 1-based): chr17:42,543,034, C>T. VCF-style: chr17-42543034-C-T. GRCh37 (hg19) VCF-style: chr17-40695052-C-T.
Other names: c.1028C>T (NM_000263.3); short protein forms T343I.
Identifiers: ClinVar variation 1467128 (VCV001467128.8), dbSNP rs1469114327, ClinGen allele CA399600826.

ClinVar aggregate classification (germline): Uncertain significance. Review status: criteria provided, multiple submitters, no conflicts (2 of 4 stars). 2 submissions from 2 submitters: Uncertain significance (2). Last evaluated 2024-11-08.

Conditions:
Mucopolysaccharidosis, MPS-III-B (MPS3B). Also called: N-ACETYL-ALPHA-D-GLUCOSAMINIDASE DEFICIENCY; NAGLU DEFICIENCY; SANFILIPPO SYNDROME B; MPS III B; MPS IIIB (Sanfilippo Syndrome Type B); MUCOPOLYSACCHARIDOSIS, TYPE IIIB. Identifiers: Orphanet 79270, MedGen C0086648, MONDO:0009656, OMIM 252920.
Charcot-Marie-Tooth disease axonal type 2V. Also called: CHARCOT-MARIE-TOOTH NEUROPATHY, TYPE 2V; CHARCOT-MARIE-TOOTH DISEASE, AXONAL, AUTOSOMAL DOMINANT, TYPE 2V. Identifiers: Orphanet 447964, MedGen C5569050, MONDO:0014665, OMIM 616491.

Allele frequency attached by ClinVar (database versions not stated): gnomAD 0.00001; gnomAD exomes below 0.00001.
gnomAD v4.1: 3 of 1,602,786 alleles (0.00019%); highest among the groups gnomAD compares: South Asian, 0.0022%; no homozygotes.

Submissions (2):

Labcorp Genetics (formerly Invitae), Labcorp
Classification: Uncertain significance for Charcot-Marie-Tooth disease axonal type 2V; Mucopolysaccharidosis, MPS-III-B. Last evaluated: 2024-11-08. Review status: criteria provided, single submitter. Criteria: Invitae Variant Classification Sherloc (09022015). Collection method: clinical testing. Allele origin: germline.
Comment: This sequence change replaces threonine, which is neutral and polar, with isoleucine, which is neutral and non-polar, at codon 343 of the NAGLU protein (p.Thr343Ile). This variant is not present in population databases (gnomAD no frequency). This variant has not been reported in the literature in individuals affected with NAGLU-related conditions. ClinVar contains an entry for this variant (Variation ID: 1467128). Invitae Evidence Modeling of protein sequence and biophysical properties (such as structural, functional, and spatial information, amino acid conservation, physicochemical variation, residue mobility, and thermodynamic stability) indicates that this missense variant is not expected to disrupt NAGLU protein function with a negative predictive value of 80%. In summary, the available evidence is currently insufficient to determine the role of this variant in disease. Therefore, it has been classified as a Variant of Uncertain Significance.

Revvity Omics, Revvity
Classification: Uncertain significance. Last evaluated: 2023-11-15. Review status: criteria provided, single submitter. Criteria: ACMG Guidelines, 2015. Collection method: clinical testing. Allele origin: germline.